The following is an entry in ClinVar:

NM_007129.5(ZIC2):c.1383G>A (p.Ala461=)

Genes: ZIC2 (Zic family zinc finger 2; plus strand), LOC110008580 (Zic family member 2 polyalanine repeat instability region; plus strand). Cytogenetic location: 13q32.3.
Variant type: single nucleotide variant.
Coding change: c.1383G>A on transcript NM_007129.5 (MANE Select); coding-DNA position 1383, G replaced by A.
Protein change: p.Ala461=; no amino-acid change (alanine 461 retained).
Molecular consequence: synonymous variant.
Genome position (GRCh38, 1-based): chr13:99,985,466, G>A. VCF-style: chr13-99985466-G-A. GRCh37 (hg19) VCF-style: chr13-100637720-G-A.
Other names: c.1383G>A (NM_007129.3).
Identifiers: ClinVar variation 2728724 (VCV002728724.5), dbSNP rs769562871, ClinGen allele CA7032990.

ClinVar aggregate classification (germline): Likely benign. Review status: criteria provided, single submitter (1 of 4 stars). 2 submissions from 2 submitters: Likely benign (1). 1 of the submissions does not count toward it. Last evaluated 2023-11-24.

Conditions:
ZIC2-related disorder. Also called: ZIC2-related condition.
Holoprosencephaly 5 (HPE5). Identifiers: Orphanet 2162, MedGen C1864827, MONDO:0012322, OMIM 609637.

Submissions (2):

Labcorp Genetics (formerly Invitae), Labcorp
Classification: Likely benign for Holoprosencephaly 5. Last evaluated: 2023-11-24. Review status: criteria provided, single submitter. Criteria: Invitae Variant Classification Sherloc (09022015). Collection method: clinical testing. Allele origin: germline.

PreventionGenetics, part of Exact Sciences
Classification: Likely benign for ZIC2-related condition. Last evaluated: 2019-09-18. Review status: no assertion criteria provided. Collection method: clinical testing. Allele origin: germline. Not counted in ClinVar's aggregate classification.
Comment: This variant is classified as likely benign based on ACMG/AMP sequence variant interpretation guidelines (Richards et al. 2015 PMID: 25741868, with internal and published modifications).